The following is an entry in ClinVar:

NM_002386.4(MC1R):c.155G>C (p.Ser52Thr)

Gene: MC1R (melanocortin 1 receptor; plus strand). Cytogenetic location: 16q24.3.
Variant type: single nucleotide variant.
Coding change: c.155G>C on transcript NM_002386.4 (MANE Select); coding-DNA position 155, G replaced by C.
Protein change: p.Ser52Thr; replaces serine 52 with threonine.
Molecular consequence: missense variant.
Genome position (GRCh38, 1-based): chr16:89,919,413, G>C. VCF-style: chr16-89919413-G-C. GRCh37 (hg19) VCF-style: chr16-89985821-G-C.
Other names: short protein forms S52T.
Identifiers: ClinVar variation 4859646 (VCV004859646.1).

ClinVar aggregate classification (germline): Uncertain significance (1 of 4 stars; one submission).

Submission:

Ambry Genetics
Classification: Uncertain significance. Last evaluated: 2026-03-24. Review status: criteria provided, single submitter. Criteria: Ambry Variant Classification Scheme 2023. Collection method: clinical testing. Allele origin: germline.
Comment: The p.S52T variant (also known as c.155G>C), located in coding exon 1 of the MC1R gene, results from a G to C substitution at nucleotide position 155. The serine at codon 52 is replaced by threonine, an amino acid with similar properties. This amino acid position is conserved. In addition, the in silico prediction for this alteration is inconclusive. Based on the available evidence, the clinical significance of this variant remains unclear.